The following is an entry in ClinVar:

ClinVar aggregate classification (germline): Benign/Likely benign. Review status: criteria provided, multiple submitters, no conflicts (2 of 4 stars). 5 submissions from 5 submitters: Benign (1); Likely benign (4). Last evaluated 2026-06-08.

Conditions:
Juvenile polyposis syndrome (JPS). Identifiers: Orphanet 2929, MedGen C0345893, MONDO:0017380, OMIM 174900.
Hereditary cancer-predisposing syndrome. Also called: Tumor predisposition; Hereditary neoplastic syndrome; Neoplastic Syndromes, Hereditary; Hereditary Cancer Syndrome. Identifiers: Orphanet 140162, MedGen C0027672, MeSH D009386, MONDO:0015356.

gnomAD v4.1: 1 of 1,614,162 alleles (0.000062%); highest among the groups gnomAD compares: Non-Finnish European, 0.000085%; no homozygotes.

Submissions (5):

Women's Health and Genetics/Laboratory Corporation of America, LabCorp
Classification: Likely benign. Last evaluated: 2026-06-08. Review status: criteria provided, single submitter. Criteria: LabCorp Variant Classification Summary - May 2015. Collection method: clinical testing. Allele origin: germline.

Labcorp Genetics (formerly Invitae), Labcorp
Classification: Likely benign for Juvenile polyposis syndrome. Last evaluated: 2026-01-24. Review status: criteria provided, single submitter. Criteria: Invitae Variant Classification Sherloc (09022015). Collection method: clinical testing. Allele origin: germline.

Myriad Genetics, Inc.
Classification: Benign for Juvenile polyposis syndrome. Last evaluated: 2024-08-08. Review status: criteria provided, single submitter. Criteria: Myriad Autosomal Dominant, Autosomal Recessive and X-Linked Classification Criteria (2023). Collection method: clinical testing. Allele origin: unknown.
Comment: This variant is considered benign. This variant is a silent/synonymous amino acid change and it is not expected to impact splicing.

Color Diagnostics, LLC DBA Color Health
Classification: Likely benign for Hereditary cancer-predisposing syndrome. Last evaluated: 2019-09-09. Review status: criteria provided, single submitter. Criteria: ACMG Guidelines, 2015. Collection method: clinical testing. Allele origin: germline.

Ambry Genetics
Classification: Likely benign for Hereditary cancer-predisposing syndrome. Last evaluated: 2018-03-05. Review status: criteria provided, single submitter. Criteria: Ambry Variant Classification Scheme 2023. Collection method: clinical testing. Allele origin: germline.

NM_004329.3(BMPR1A):c.1386G>T (p.Pro462=)

Gene: BMPR1A (bone morphogenetic protein receptor type 1A; plus strand). Cytogenetic location: 10q23.2.
Variant type: single nucleotide variant.
Coding change: c.1386G>T on transcript NM_004329.3 (MANE Select); coding-DNA position 1386, G replaced by T.
Protein change: p.Pro462=; no amino-acid change (proline 462 retained).
Molecular consequence: synonymous variant.
Genome position (GRCh38, 1-based): chr10:86,923,419, G>T. VCF-style: chr10-86923419-G-T. GRCh37 (hg19) VCF-style: chr10-88683176-G-T.
Identifiers: ClinVar variation 819024 (VCV000819024.11), dbSNP rs751815388, ClinGen allele CA470308555.